The following is an entry in ClinVar:

NM_006922.4(SCN3A):c.967+1G>A

Gene: SCN3A (sodium voltage-gated channel alpha subunit 3; minus strand). Cytogenetic location: 2q24.3.
Variant type: single nucleotide variant.
Coding change: c.967+1G>A on transcript NM_006922.4 (MANE Select); the canonical splice donor site of the intron after coding-DNA position 967, G replaced by A.
Molecular consequence: splice donor variant.
Genome position (GRCh38, 1-based): chr2:165,162,555, C>T on the plus strand (G>A on the coding strand, the complement: SCN3A is on the minus strand). VCF-style: chr2-165162555-C-T. GRCh37 (hg19) VCF-style: chr2-166019065-C-T.
Other names: c.967+1G>A (NM_001081676.2, NM_001081677.2).
Identifiers: ClinVar variation 2663081 (VCV002663081.1), dbSNP rs2468475548, ClinGen allele CA349238840.
Genomic context (GRCh38, chr2:165,162,555, plus strand): 5'-CTATTTATAGTTGAAAATTCATTCAGCAACACTAAGGTTAACATAATGTAATACTTCTTA[C>T]TGTCATCTCCAATGTAATCCTTCCAGTTAAATGTGCTCATTGTTACATTAACAAATGTCC-3'

ClinVar aggregate classification (germline): Uncertain significance (1 of 4 stars; one submission).

Submission:

GeneDx
Classification: Uncertain significance. Last evaluated: 2023-05-02. Review status: criteria provided, single submitter. Criteria: GeneDx Variant Classification Process June 2021. Collection method: clinical testing. Allele origin: germline. Affected: yes.
Comment: Not observed at significant frequency in large population cohorts (gnomAD); Canonical splice site variant in a gene or region of a gene for which loss of function is not a well-established mechanism of disease; Has not been previously published as pathogenic or benign to our knowledge